The following is an entry in ClinVar:

NM_019066.5(MAGEL2):c.233C>T (p.Pro78Leu)

Gene: MAGEL2 (MAGE family member L2; minus strand). Cytogenetic location: 15q11.2.
Variant type: single nucleotide variant.
Coding change: c.233C>T on transcript NM_019066.5 (MANE Select); coding-DNA position 233, C replaced by T.
Protein change: p.Pro78Leu; replaces proline 78 with leucine.
Molecular consequence: missense variant.
Genome position (GRCh38, 1-based): chr15:23,647,510, G>A on the plus strand (C>T on the coding strand, the complement: MAGEL2 is on the minus strand). VCF-style: chr15-23647510-G-A. GRCh37 (hg19) VCF-style: chr15-23892657-G-A.
Other names: short protein forms P78L.
Identifiers: ClinVar variation 3356070 (VCV003356070.1).

ClinVar aggregate classification (germline): Uncertain significance (0 of 4 stars; one submission).

Conditions:
MAGEL2-related disorder. Also called: MAGEL2-related condition.

Submission:

PreventionGenetics, part of Exact Sciences
Classification: Uncertain significance for MAGEL2-related condition. Last evaluated: 2024-06-14. Review status: no assertion criteria provided. Collection method: clinical testing. Allele origin: germline.
Comment: The MAGEL2 c.233C>T variant is predicted to result in the amino acid substitution p.Pro78Leu. To our knowledge, this variant has not been reported in the literature or in a large population database, indicating this variant is rare. At this time, the clinical significance of this variant is uncertain due to the absence of conclusive functional and genetic evidence.